The following is an entry in ClinVar:

ClinVar aggregate classification (germline): Uncertain significance. Review status: criteria provided, multiple submitters, no conflicts (2 of 4 stars). 2 submissions from 2 submitters: Uncertain significance (2). Last evaluated 2025-11-19.

Conditions:
Familial adenomatous polyposis 1 (FAP1). Also called: FAMILIAL ADENOMATOUS POLYPOSIS 1, ATTENUATED; POLYPOSIS, ADENOMATOUS INTESTINAL. Identifiers: MedGen C2713442, MONDO:0021056, OMIM 175100. Disease mechanism: loss of function.
Hereditary cancer-predisposing syndrome. Also called: Neoplastic Syndromes, Hereditary; Tumor predisposition; Hereditary Cancer Syndrome; Hereditary neoplastic syndrome. Identifiers: Orphanet 140162, MedGen C0027672, MeSH D009386, MONDO:0015356.

Submissions (2):

Labcorp Genetics (formerly Invitae), Labcorp
Classification: Uncertain significance for Familial adenomatous polyposis 1. Last evaluated: 2025-11-19. Review status: criteria provided, single submitter. Criteria: Invitae Variant Classification Sherloc (09022015). Collection method: clinical testing. Allele origin: germline.
Comment: This sequence change replaces threonine, which is neutral and polar, with isoleucine, which is neutral and non-polar, at codon 1709 of the APC protein (p.Thr1709Ile). This variant is not present in population databases (gnomAD no frequency). This variant has not been reported in the literature in individuals affected with APC-related conditions. ClinVar contains an entry for this variant (Variation ID: 649664). Invitae Evidence Modeling of protein sequence and biophysical properties (such as structural, functional, and spatial information, amino acid conservation, physicochemical variation, residue mobility, and thermodynamic stability) indicates that this missense variant is not expected to disrupt APC protein function with a negative predictive value of 95%. In summary, the available evidence is currently insufficient to determine the role of this variant in disease. Therefore, it has been classified as a Variant of Uncertain Significance.

Ambry Genetics
Classification: Uncertain significance for Hereditary cancer-predisposing syndrome. Last evaluated: 2025-01-21. Review status: criteria provided, single submitter. Criteria: Ambry Variant Classification Scheme 2023. Collection method: clinical testing. Allele origin: germline.
Comment: The p.T1709I variant (also known as c.5126C>T), located in coding exon 15 of the APC gene, results from a C to T substitution at nucleotide position 5126. The threonine at codon 1709 is replaced by isoleucine, an amino acid with similar properties. This amino acid position is poorly conserved in available vertebrate species. In addition, in silico predictors for this gene do not accurately predict pathogenicity. Since supporting evidence is limited at this time, the clinical significance of this alteration remains unclear.

NM_000038.6(APC):c.5126C>T (p.Thr1709Ile)

Gene: APC (APC regulator of Wnt signaling pathway; plus strand). Cytogenetic location: 5q22.2.
Variant type: single nucleotide variant.
Coding change: c.5126C>T on transcript NM_000038.6 (MANE Select); coding-DNA position 5126, C replaced by T.
Protein change: p.Thr1709Ile; replaces threonine 1709 with isoleucine.
Molecular consequence: missense variant.
Genome position (GRCh38, 1-based): chr5:112,840,720, C>T. VCF-style: chr5-112840720-C-T. GRCh37 (hg19) VCF-style: chr5-112176417-C-T.
Other names: c.5126C>T, p.Thr1709Ile (NM_001127510.3, NM_001354895.2); c.5072C>T, p.Thr1691Ile (NM_001127511.3); c.5180C>T, p.Thr1727Ile (NM_001354896.2); c.5156C>T, p.Thr1719Ile (NM_001354897.2); c.5051C>T, p.Thr1684Ile (NM_001354898.2); c.5042C>T, p.Thr1681Ile (NM_001354899.2); c.5003C>T, p.Thr1668Ile (NM_001354900.2); c.4949C>T, p.Thr1650Ile (NM_001354901.2); and 5 more; short protein forms T1549I, T1608I, T1583I, T1650I, T1668I, T1681I, T1691I, T1618I.
Identifiers: ClinVar variation 649664 (VCV000649664.13), dbSNP rs1580656526, ClinGen allele CA16032535.